The following is an entry in ClinVar:

ClinVar aggregate classification (germline): Uncertain significance. Review status: criteria provided, multiple submitters, no conflicts (2 of 4 stars). 3 submissions from 3 submitters: Uncertain significance (3). Last evaluated 2026-03-23.

Conditions:
Hereditary cancer-predisposing syndrome. Also called: Neoplastic Syndromes, Hereditary; Tumor predisposition; Hereditary neoplastic syndrome; Hereditary Cancer Syndrome. Identifiers: Orphanet 140162, MedGen C0027672, MeSH D009386, MONDO:0015356.
Carney complex, type 1 (CNC1). Also called: CARNEY MYXOMA-ENDOCRINE COMPLEX; CARNEY COMPLEX, TYPE I. Identifiers: Orphanet 1359, MedGen C2607929, MONDO:0008057, OMIM 160980.

Submissions (3):

GeneDx
Classification: Uncertain significance. Last evaluated: 2026-03-23. Review status: criteria provided, single submitter. Criteria: GeneDx Variant Classification Process June 2021. Collection method: clinical testing. Allele origin: germline.
Comment: Not observed at significant frequency in large population cohorts (gnomAD); In silico analysis suggests that this missense variant does not alter protein structure/function; Has not been previously published as pathogenic or benign to our knowledge

Labcorp Genetics (formerly Invitae), Labcorp
Classification: Uncertain significance for Carney complex, type 1. Last evaluated: 2025-12-29. Review status: criteria provided, single submitter. Criteria: Invitae Variant Classification Sherloc (09022015). Collection method: clinical testing. Allele origin: germline.
Comment: This sequence change replaces valine, which is neutral and non-polar, with methionine, which is neutral and non-polar, at codon 90 of the PRKAR1A protein (p.Val90Met). This variant is not present in population databases (gnomAD no frequency). This variant has not been reported in the literature in individuals affected with PRKAR1A-related conditions. ClinVar contains an entry for this variant (Variation ID: 1932375). Invitae Evidence Modeling of protein sequence and biophysical properties (such as structural, functional, and spatial information, amino acid conservation, physicochemical variation, residue mobility, and thermodynamic stability) indicates that this missense variant is not expected to disrupt PRKAR1A protein function with a negative predictive value of 95%. In summary, the available evidence is currently insufficient to determine the role of this variant in disease. Therefore, it has been classified as a Variant of Uncertain Significance.

Ambry Genetics
Classification: Uncertain significance for Hereditary cancer-predisposing syndrome. Last evaluated: 2023-04-23. Review status: criteria provided, single submitter. Criteria: Ambry Variant Classification Scheme 2023. Collection method: clinical testing. Allele origin: germline.
Comment: The p.V90M variant (also known as c.268G>A), located in coding exon 2 of the PRKAR1A gene, results from a G to A substitution at nucleotide position 268. The valine at codon 90 is replaced by methionine, an amino acid with highly similar properties. This amino acid position is conserved. In addition, the in silico prediction for this alteration is inconclusive. Since supporting evidence is limited at this time, the clinical significance of this alteration remains unclear.

NM_002734.5(PRKAR1A):c.268G>A (p.Val90Met)

Gene: PRKAR1A (protein kinase cAMP-dependent type I regulatory subunit alpha; plus strand). Cytogenetic location: 17q24.2.
Variant type: single nucleotide variant.
Coding change: c.268G>A on transcript NM_002734.5 (MANE Select); coding-DNA position 268, G replaced by A.
Protein change: p.Val90Met; replaces valine 90 with methionine.
Molecular consequence: missense variant.
Genome position (GRCh38, 1-based): chr17:68,522,846, G>A. VCF-style: chr17-68522846-G-A. GRCh37 (hg19) VCF-style: chr17-66518987-G-A.
Other names: c.268G>A (NM_002734.3); c.268G>A, p.Val90Met (NM_001276289.2, NM_001276290.1, NM_001278433.2 and 4 more transcripts); short protein forms V90M.
Identifiers: ClinVar variation 1932375 (VCV001932375.8), dbSNP rs2085659920, ClinGen allele CA400752352.
Genomic context (GRCh38, chr17:68,522,846, plus strand): 5'-AAAGCAGGCACTCGTACAGACTCAAGGGAGGATGAGATTTCTCCTCCTCCACCCAACCCA[G>A]TGGTTAAAGGTAGGAGGCGACGAGGTGCTATCAGCGCTGAGGTCTACACGGAGGAAGATG-3'
Protein context (NP_002725.1, residues 80-100): DEISPPPPNP[Val90Met]VKGRRRRGAI